The following is an entry in ClinVar:

NM_000302.4(PLOD1):c.1218G>A (p.Pro406=)

Gene: PLOD1 (procollagen-lysine,2-oxoglutarate 5-dioxygenase 1; plus strand). Cytogenetic location: 1p36.22.
Variant type: single nucleotide variant.
Coding change: c.1218G>A on transcript NM_000302.4 (MANE Select); coding-DNA position 1218, G replaced by A.
Protein change: p.Pro406=; no amino-acid change (proline 406 retained).
Molecular consequence: synonymous variant.
Genome position (GRCh38, 1-based): chr1:11,964,190, G>A. VCF-style: chr1-11964190-G-A. GRCh37 (hg19) VCF-style: chr1-12024247-G-A.
Other names: c.1359G>A, p.Pro453= (NM_001316320.2).
Identifiers: ClinVar variation 389629 (VCV000389629.14), dbSNP rs754812888, ClinGen allele CA598333.
Genomic context (GRCh38, chr1:11,964,190, plus strand): 5'-TCCCAGTGGGCAGCGACCTCCTACTGAGGTGCTCCCTTCCCTCAGGAACGTCATTGCCCC[G>A]CTGATGACCCGGCATGGGAGGCTGTGGTCGAACTTCTGGGGGGCTCTCAGTGCAGATGGC-3'
Protein context (NP_000293.2, residues 396-416): LIQQNKNVIA[Pro406=]LMTRHGRLWS

ClinVar aggregate classification (germline): Likely benign. Review status: criteria provided, multiple submitters, no conflicts (2 of 4 stars). 5 submissions from 5 submitters: Likely benign (5). Last evaluated 2026-09-21.

Conditions:
Familial thoracic aortic aneurysm and aortic dissection (TAAD). Also called: Thoracic aortic aneurysms and dissections. Identifiers: Orphanet 91387, MedGen C4707243, MONDO:0019625.
Ehlers-Danlos syndrome, kyphoscoliotic type 1 (EDSKSCL1). Also called: EHLERS-DANLOS SYNDROME, OCULAR-SCOLIOTIC TYPE; PLOD1-Related Kyphoscoliotic Ehlers-Danlos Syndrome; Ehlers-Danlos syndrome, hydroxylysine-deficient; EHLERS-DANLOS SYNDROME, TYPE VIA. Identifiers: Orphanet 1900, MedGen C0268342, MONDO:0016002, OMIM 225400. Disease mechanism: loss of function.

Allele frequency attached by ClinVar (database versions not stated): gnomAD 0.00007; ExAC 0.00005; TOPMed 0.00002; gnomAD exomes 0.00004.
gnomAD v4.1: 66 of 1,613,728 alleles (0.0041%); highest among the groups gnomAD compares: Non-Finnish European, 0.005%; no homozygotes.

Submissions (5):

Molecular Diagnostic Laboratory for Inherited Cardiovascular Disease, Montreal Heart Institute
Classification: Likely benign. Last evaluated: 2026-09-21. Review status: criteria provided, single submitter. Criteria: ACMG Guidelines, 2015. Collection method: clinical testing. Allele origin: germline. Affected: no.
Comment: PM2;BP7

Labcorp Genetics (formerly Invitae), Labcorp
Classification: Likely benign for Ehlers-Danlos syndrome, kyphoscoliotic type 1. Last evaluated: 2025-09-21. Review status: criteria provided, single submitter. Criteria: Invitae Variant Classification Sherloc (09022015). Collection method: clinical testing. Allele origin: germline.

Blueprint Genetics
Classification: Likely benign. Last evaluated: 2024-09-06. Review status: criteria provided, single submitter. Criteria: ACMG Guidelines, 2015. Collection method: clinical testing. Allele origin: germline.

Ambry Genetics
Classification: Likely benign for Familial thoracic aortic aneurysm and aortic dissection. Last evaluated: 2019-05-19. Review status: criteria provided, single submitter. Criteria: Ambry Variant Classification Scheme 2023. Collection method: clinical testing. Allele origin: germline.

GeneDx
Classification: Likely benign. Last evaluated: 2016-10-03. Review status: criteria provided, single submitter. Criteria: GeneDx Variant Classification (06012015). Collection method: clinical testing. Allele origin: germline. Affected: yes.
Comment: This variant is considered likely benign or benign based on one or more of the following criteria: it is a conservative change, it occurs at a poorly conserved position in the protein, it is predicted to be benign by multiple in silico algorithms, and/or has population frequency not consistent with disease.